The following is an entry in ClinVar:

NM_016824.5(ADD3):c.1993C>T (p.Pro665Ser)

Gene: ADD3 (adducin 3; plus strand). Cytogenetic location: 10q25.2.
Variant type: single nucleotide variant.
Coding change: c.1993C>T on transcript NM_016824.5 (MANE Select); coding-DNA position 1993, C replaced by T.
Protein change: p.Pro665Ser; replaces proline 665 with serine.
Molecular consequence: missense variant.
Genome position (GRCh38, 1-based): chr10:110,133,490, C>T. VCF-style: chr10-110133490-C-T. GRCh37 (hg19) VCF-style: chr10-111893248-C-T.
Other names: c.1897C>T, p.Pro633Ser (NM_001121.4, NM_019903.5); c.1993C>T, p.Pro665Ser (NM_001320591.2, NM_001320592.2, NM_001320593.2); c.1759C>T, p.Pro587Ser (NM_001320594.2); short protein forms P587S, P633S, P665S.
Identifiers: ClinVar variation 1950911 (VCV001950911.5), dbSNP rs757023027, ClinGen allele CA378382704.

ClinVar aggregate classification (germline): Uncertain significance (1 of 4 stars; one submission).

Submission:

Labcorp Genetics (formerly Invitae), Labcorp
Classification: Uncertain significance. Last evaluated: 2022-05-26. Review status: criteria provided, single submitter. Criteria: Invitae Variant Classification Sherloc (09022015). Collection method: clinical testing. Allele origin: germline.
Comment: In summary, the available evidence is currently insufficient to determine the role of this variant in disease. Therefore, it has been classified as a Variant of Uncertain Significance. Algorithms developed to predict the effect of missense changes on protein structure and function output the following: SIFT: "Not Available"; PolyPhen-2: "Benign"; Align-GVGD: "Not Available". The serine amino acid residue is found in multiple mammalian species, which suggests that this missense change does not adversely affect protein function. This variant has not been reported in the literature in individuals affected with ADD3-related conditions. This variant is not present in population databases (gnomAD no frequency). This sequence change replaces proline, which is neutral and non-polar, with serine, which is neutral and polar, at codon 665 of the ADD3 protein (p.Pro665Ser).